The following is an entry in ClinVar:

ClinVar aggregate classification (germline): Pathogenic/Likely pathogenic. Review status: criteria provided, multiple submitters, no conflicts (2 of 4 stars). 9 submissions from 9 submitters: Pathogenic (6); Likely pathogenic (3). Last evaluated 2026-04-13.

Conditions:
STRC-related disorder. Also called: STRC-related condition.
Rare genetic deafness. Identifiers: Orphanet 96210, MedGen C5680250.
Autosomal recessive nonsyndromic hearing loss 16. Also called: DFNB16 Nonsyndromic Hearing Loss and Deafness; DEAFNESS, AUTOSOMAL RECESSIVE 16. Identifiers: Orphanet 90636, MedGen C1863561, MONDO:0011364, OMIM 603720.

Allele frequency attached by ClinVar (database versions not stated): 1000 Genomes Project 30x 0.00016; gnomAD exomes 0.00018 and 0.00009; ExAC 0.00034; TOPMed 0.00002; ESP Exome Variant Server 0.00008.
gnomAD v4.1: 147 of 1,613,618 alleles (0.0091%); highest among the groups gnomAD compares: Non-Finnish European, 0.0095%; 1 homozygote.

Submissions (9):

PreventionGenetics, part of Exact Sciences
Classification: Pathogenic for STRC-related condition. Last evaluated: 2026-04-13. Review status: criteria provided, single submitter. Criteria: ACMG Guidelines, 2015. Collection method: clinical testing. Allele origin: germline.
Comment: The STRC c.4027C>T variant is predicted to result in premature protein termination (p.Gln1343*). This variant has been reported in the compound heterozygous and homozygous states in individuals with non-syndromic hearing loss (Mandelker et al. 2014. PubMed ID: 25157971; Frykholm et al. 2018. PubMed ID: 30250054). This variant is reported in 0.036% of alleles in individuals of European (Non-Finnish) descent in gnomAD. Nonsense variants in STRC are expected to be pathogenic. This variant is interpreted as pathogenic.

GeneDx
Classification: Pathogenic. Last evaluated: 2026-03-11. Review status: criteria provided, single submitter. Criteria: GeneDx Variant Classification Process June 2021. Collection method: clinical testing. Allele origin: germline.
Comment: Observed in homozygous state in two siblings with episodic vertigo in the literature and not observed in homozygous state in controls (PMID: 30250054); Nonsense variant predicted to result in protein truncation or nonsense mediated decay in a gene for which loss of function is a known mechanism of disease; This variant is associated with the following publications: (PMID: 25157971, 33260921, 37022572, 40094841, 30250054)

Blueprint Genetics
Classification: Pathogenic for STRC-related disorders. Last evaluated: 2024-09-10. Review status: criteria provided, single submitter. Criteria: ACMG Guidelines, 2015. Collection method: clinical testing. Allele origin: germline. Affected: yes. Observed: 5 variant alleles.

Clinical Genomics Laboratory, Washington University in St. Louis
Classification: Likely pathogenic for Autosomal recessive nonsyndromic hearing loss 16. Last evaluated: 2024-06-18. Review status: criteria provided, single submitter. Criteria: ACMG Guidelines, 2015. Collection method: clinical testing. Allele origin: germline. Affected: yes.
Comment: The STRC c.4027C>T (p.Gln1343*) variant has been reported in five individuals affected with hearing loss (Amr SS et al., PMID: 29339441; Frykholm C et al., PMID:30250054; Mandelker D et al., PMID:25157971). Of those individuals, three were compound heterozygous for the variant and a pathogenic or likely pathogenic variant confirmed in trans (Amr SS et al., PMID: 29339441; Frykholm C et al., PMID:30250054; Mandelker D et al., PMID:25157971). Two individuals were homozygous for the variant (Frykholm C et al., PMID:30250054). This variant has been reported in the ClinVar database as a pathogenic variant by three submitters and as likely pathogenic by two submitters. The highest population minor allele frequency in the population database genome aggregation database (v.2.1.1) is 0.0362% in the European non-Finnish population. This variant leads to a premature termination codon, which is predicted to lead to nonsense mediated decay. Based on available information and the ACMG/AMP guidelines for variant interpretation (Richards S et al., PMID: 25741868), this variant is classified as likely pathogenic.

Revvity Omics, Revvity
Classification: Pathogenic for Autosomal recessive nonsyndromic hearing loss 16. Last evaluated: 2019-11-21. Review status: criteria provided, single submitter. Criteria: ACMG Guidelines, 2015. Collection method: clinical testing. Allele origin: germline.

Research Group Niklas Dahl, Uppsala University
Classification: Pathogenic for Autosomal recessive nonsyndromic hearing loss 16. Last evaluated: 2017-12-11. Review status: criteria provided, single submitter. Criteria: ACMG Guidelines, 2015. Collection method: research. Allele origin: inherited. Inheritance: Autosomal recessive inheritance. Affected: yes and no. Observed: 10 variant alleles, 7 heterozygotes, 3 homozygotes. Clinical features observed: Vertigo, Sensorineural hearing loss disorder.
Comment: We identified a family segregating a homozygous STRC stop variant [c.4027C>T, p.(Q1343*)] identified by exome sequencing in two siblings and their first cousin with childhood onset of episodic vertigo.

Molecular Diagnostics Laboratory, M Health Fairview: University of Minnesota
Classification: Likely pathogenic for Autosomal recessive nonsyndromic hearing loss 16. Last evaluated: 2017-05-18. Review status: criteria provided, single submitter. Criteria: ACMG Guidelines, 2015. Collection method: clinical testing. Allele origin: germline. Affected: yes. Observed: 2 variant alleles.

Laboratory for Molecular Medicine, Mass General Brigham Personalized Medicine
Classification: Pathogenic for Rare genetic deafness. Last evaluated: 2016-08-04. Review status: criteria provided, single submitter. Criteria: LMM Criteria. Collection method: clinical testing. Allele origin: germline. Inheritance: Autosomal recessive inheritance. Observed: 1 variant allele.
Comment: The p.Gln1343X variant in STRC has been identified in one individual with hearin g loss who was compound heterozygous for a second pathogenic STRC variant (Mande lker 2014). This nonsense variant leads to a premature termination codon at posi tion 1343 which is predicted to lead to a truncated or absent protein. Loss of f unction of the STRC gene is an established disease mechanism in autosomal recess ive nonsyndromic sensorineural hearing loss (SNHL). In summary, this variant me ets criteria to be classified as pathogenic for SNHL in an autosomal recessive m anner based on the predicted impact of the variant.

Genome-Nilou Lab
Classification: Likely pathogenic for Autosomal recessive nonsyndromic hearing loss 16. Review status: criteria provided, single submitter. Criteria: ACMG Guidelines, 2015. Collection method: clinical testing. Allele origin: germline.

Literature cited by the submitters: PubMed 25157971 (cited by Laboratory for Molecular Medicine, Mass General Brigham Personalized Medicine).

NM_153700.2(STRC):c.4027C>T (p.Gln1343Ter)

Gene: STRC (stereocilin; minus strand). Cytogenetic location: 15q15.3.
Variant type: single nucleotide variant.
Coding change: c.4027C>T on transcript NM_153700.2 (MANE Select); coding-DNA position 4027, C replaced by T.
Protein change: p.Gln1343Ter; replaces glutamine 1343 with a stop codon.
Molecular consequence: nonsense.
Genome position (GRCh38, 1-based): chr15:43,604,750, G>A on the plus strand (C>T on the coding strand, the complement: STRC is on the minus strand). VCF-style: chr15-43604750-G-A. GRCh37 (hg19) VCF-style: chr15-43896948-G-A.
Other names: short protein forms Q1343*.
Identifiers: ClinVar variation 448908 (VCV000448908.14), dbSNP rs144948296, ClinGen allele CA7528170.